The following is an entry in ClinVar:

NM_001164508.2(NEB):c.10143+2T>G

Gene: NEB (nebulin; minus strand). Cytogenetic location: 2q23.3.
Variant type: single nucleotide variant.
Coding change: c.10143+2T>G on transcript NM_001164508.2 (MANE Select); the canonical splice donor site of the intron after coding-DNA position 10143, T replaced by G.
Molecular consequence: splice donor variant.
Genome position (GRCh38, 1-based): chr2:151,627,521, A>C on the plus strand (T>G on the coding strand, the complement: NEB is on the minus strand). VCF-style: chr2-151627521-A-C. GRCh37 (hg19) VCF-style: chr2-152484035-A-C.
Other names: c.9414+2T>G (NM_004543.5); c.10143+2T>G (NM_001164507.2, NM_001271208.2).
Identifiers: ClinVar variation 2052381 (VCV002052381.4), dbSNP rs2552236602, ClinGen allele CA348793796.
Genomic context (GRCh38, chr2:151,627,521, plus strand): 5'-TGTCTCAGTATTTCTATGAATTACTATTATGAGCACAGTTACCATGGATCTTAATTACTC[A>C]CATCGCTCTGGAGGTCATAGGCCTGCCGAGCATGGATGACATCATTCTGGTCGGGCAGGC-3'

ClinVar aggregate classification (germline): Likely pathogenic (1 of 4 stars; one submission).

Conditions:
Nemaline myopathy 2 (NEM2). Also called: Nemaline myopathy 2, autosomal recessive. Identifiers: MedGen C1850569, MONDO:0009725, OMIM 256030.

Submission:

Labcorp Genetics (formerly Invitae), Labcorp
Classification: Likely pathogenic for Nemaline myopathy 2. Last evaluated: 2022-07-26. Review status: criteria provided, single submitter. Criteria: Invitae Variant Classification Sherloc (09022015). Collection method: clinical testing. Allele origin: germline.
Comment: This sequence change affects a donor splice site in intron 69 of the NEB gene. It is expected to disrupt RNA splicing. Variants that disrupt the donor or acceptor splice site typically lead to a loss of protein function (PMID: 16199547), and loss-of-function variants in NEB are known to be pathogenic (PMID: 25205138). This variant is not present in population databases (gnomAD no frequency). This variant has not been reported in the literature in individuals affected with NEB-related conditions. Algorithms developed to predict the effect of sequence changes on RNA splicing suggest that this variant may disrupt the consensus splice site. In summary, the currently available evidence indicates that the variant is pathogenic, but additional data are needed to prove that conclusively. Therefore, this variant has been classified as Likely Pathogenic.

Literature cited by the submitters: PubMed 16199547; PubMed 25205138.